The following is an entry in ClinVar:

NM_015267.4(CUX2):c.3997C>T (p.Pro1333Ser)

Gene: CUX2 (cut like homeobox 2; plus strand). Cytogenetic location: 12q24.12.
Variant type: single nucleotide variant.
Coding change: c.3997C>T on transcript NM_015267.4 (MANE Select); coding-DNA position 3997, C replaced by T.
Protein change: p.Pro1333Ser; replaces proline 1333 with serine.
Molecular consequence: missense variant.
Genome position (GRCh38, 1-based): chr12:111,347,861, C>T. VCF-style: chr12-111347861-C-T. GRCh37 (hg19) VCF-style: chr12-111785665-C-T.
Other names: c.3811C>T, p.Pro1271Ser (NM_001370598.1); short protein forms P1333S, P1271S.
Identifiers: ClinVar variation 2591941 (VCV002591941.26), dbSNP rs201289447, ClinGen allele CA6789267.

ClinVar aggregate classification (germline): Likely benign. Review status: criteria provided, multiple submitters, no conflicts (2 of 4 stars). 2 submissions from 2 submitters: Likely benign (2). Last evaluated 2023-08-21.

Conditions:
Inborn genetic diseases. Identifiers: MedGen C0950123, MeSH D030342.

Allele frequency attached by ClinVar (database versions not stated): 1000 Genomes Project 30x 0.00016; 1000 Genomes Project 0.00020.
gnomAD v4.1: 291 of 1,614,130 alleles (0.018%); highest among the groups gnomAD compares: Non-Finnish European, 0.022%; no homozygotes.

Submissions (2):

Ambry Genetics
Classification: Likely benign for Inborn genetic diseases. Last evaluated: 2023-08-21. Review status: criteria provided, single submitter. Criteria: Ambry Variant Classification Scheme 2023. Collection method: clinical testing. Allele origin: germline.

CeGaT Center for Human Genetics Tuebingen
Classification: Likely benign. Last evaluated: 2022-03-01. Review status: criteria provided, single submitter. Criteria: CeGaT Center For Human Genetics Tuebingen Variant Classification Criteria Version 2. Collection method: clinical testing. Allele origin: germline. Affected: yes. Observed: 1 variant allele.
Comment: CUX2: BP4